The following is an entry in ClinVar:

ClinVar aggregate classification (germline): Conflicting classifications of pathogenicity. Review status: criteria provided, conflicting classifications (1 of 4 stars). 8 submissions from 8 submitters: Likely pathogenic (6); Uncertain significance (2). Last evaluated 2025-08-25.

Conditions:
Facial dysmorphism, hypertrichosis, epilepsy, intellectual/developmental delay, and gingival overgrowth syndrome. Identifiers: Orphanet 598603, MedGen C5193066, MONDO:0032714, OMIM 618381.
Benign Rolandic epilepsy (BECTS). Also called: TEMPORAL-CENTRAL FOCAL EPILEPSY; CENTROTEMPORAL EPILEPSY; CENTRALOPATHIC EPILEPSY; Benign rolandic epilepsy (BRE); Benign rolandic epilepsy of childhood (BREC); Benign epilepsy with centro-temporal spikes (BECTS). Identifiers: Orphanet 1945, MedGen C2363129, OMIM 117100.

Submissions (8):

Clinical Genetics Laboratory, Skane University Hospital Lund
Classification: Likely pathogenic for Benign Rolandic epilepsy. Last evaluated: 2025-08-25. Review status: criteria provided, single submitter. Criteria: ACMG Guidelines, 2015. Collection method: clinical testing. Allele origin: de novo. Inheritance: Autosomal dominant inheritance. Affected: yes.
Comment: ACMG criteria used: PS2, PS4_Supporting, PM2

Variantyx, Inc.
Classification: Likely pathogenic for Facial dysmorphism, hypertrichosis, epilepsy, intellectual/developmental delay, and gingival overgrowth syndrome. Last evaluated: 2025-08-20. Review status: criteria provided, single submitter. Criteria: Variantyx Assertion Criteria 2022. Collection method: clinical testing. Allele origin: de novo. Inheritance: Autosomal dominant inheritance. Affected: yes.
Comment: This is a nonsynonymous variant in the KCNK4 gene (OMIM: 605720). Pathogenic variants in this gene have been associated with autosomal dominant facial dysmorphism, hypertrichosis, epilepsy, intellectual/developmental delay, and gingival overgrowth syndrome. It has been reported in at least one affected individual (PMID: 35982159) (PS4) and is absent from control populations (PM2). Computational algorithms produce conflicting evidence regarding the predicted functional impact of this variant (REVEL score: 0.297). Based on the current evidence, this variant is classified as likely pathogenic for autosomal dominant facial dysmorphism, hypertrichosis, epilepsy, intellectual/developmental delay, and gingival overgrowth syndrome.

Labcorp Genetics (formerly Invitae), Labcorp
Classification: Likely pathogenic. Last evaluated: 2025-07-28. Review status: criteria provided, single submitter. Criteria: Invitae Variant Classification Sherloc (09022015). Collection method: clinical testing. Allele origin: germline.
Comment: This sequence change replaces proline, which is neutral and non-polar, with leucine, which is neutral and non-polar, at codon 233 of the KCNK4 protein (p.Pro233Leu). This variant is not present in population databases (gnomAD no frequency). This missense change has been observed in individual(s) with KCNK4-related neurodevelopmental syndrome (external communication). In at least one individual the variant was observed to be de novo. ClinVar contains an entry for this variant (Variation ID: 930709). An algorithm developed to predict the effect of missense changes on protein structure and function (PolyPhen-2) suggests that this variant is likely to be disruptive. In summary, the currently available evidence indicates that the variant is pathogenic, but additional data are needed to prove that conclusively. Therefore, this variant has been classified as Likely Pathogenic.

3billion
Classification: Likely pathogenic for Facial dysmorphism, hypertrichosis, epilepsy, intellectual/developmental delay, and gingival overgrowth syndrome. Last evaluated: 2025-07-11. Review status: criteria provided, single submitter. Criteria: ACMG Guidelines, 2015. Collection method: clinical testing. Allele origin: germline. Affected: yes.
Comment: The variant is not observed in the gnomAD v4.1.0 dataset. Predicted Consequence/Location: Missense variant. Missense changes are a common disease-causing mechanism. The same nucleotide change resulting in the same amino acid change has been previously reported to be associated with KCNK4-related disorder (PMID: 34918830). The variant has been previously reported as de novo in a similarly affected individual (PMID: 34918830). Therefore, this variant is classified as Likely pathogenic according to the recommendation of ACMG/AMP guideline.

Institute of Human Genetics, University of Leipzig Medical Center
Classification: Likely pathogenic for Facial dysmorphism, hypertrichosis, epilepsy, intellectual/developmental delay, and gingival overgrowth syndrome. Last evaluated: 2024-02-16. Review status: criteria provided, single submitter. Criteria: ACMG Guidelines, 2015. Collection method: clinical testing. Allele origin: de novo. Inheritance: Autosomal dominant inheritance. Affected: yes.
Comment: Criteria applied: PS2,PS4_MOD,PM2_SUP

Revvity Omics, Revvity
Classification: Uncertain significance for Facial dysmorphism, hypertrichosis, epilepsy, intellectual/developmental delay, and gingival overgrowth syndrome. Last evaluated: 2021-09-08. Review status: criteria provided, single submitter. Criteria: ACMG Guidelines, 2015. Collection method: clinical testing. Allele origin: germline.

Centre for Mendelian Genomics, University Medical Centre Ljubljana
Classification: Uncertain significance for Facial dysmorphism, hypertrichosis, epilepsy, intellectual/developmental delay, and gingival overgrowth syndrome. Last evaluated: 2020-03-25. Review status: criteria provided, single submitter. Criteria: ACMG Guidelines, 2015. Collection method: clinical testing. Allele origin: unknown. Affected: yes.
Comment: This variant was classified as: Uncertain significance. The available evidence on this variant's pathogenicity is insufficient or conflicting. The following ACMG criteria were applied in classifying this variant: PM2.

HudsonAlpha Institute for Biotechnology
Classification: Likely pathogenic for Facial dysmorphism, hypertrichosis, epilepsy, intellectual/developmental delay, and gingival overgrowth syndrome. Last evaluated: 2019-12-19. Review status: criteria provided, single submitter. Criteria: ACMG Guidelines, 2015. Collection method: research. Allele origin: de novo. Affected: yes. Observed: 1 variant allele. Study: CSER-HudsonAlpha.
Comment: ACMG codes:PS2, PM2, PP3

Literature cited by the submitters: PubMed 35982159 (cited by Variantyx, Inc.); PubMed 34918830 (cited by Variantyx, Inc. and 3billion).

NM_033310.3(KCNK4):c.698C>T (p.Pro233Leu)

Genes: KCNK4 (potassium two pore domain channel subfamily K member 4; plus strand), KCNK4-CATSPERZ (KCNK4-CATSPERZ readthrough (NMD candidate); plus strand). Cytogenetic location: 11q13.1.
Variant type: single nucleotide variant.
Coding change: c.698C>T on transcript NM_033310.3 (MANE Select); coding-DNA position 698, C replaced by T.
Protein change: p.Pro233Leu; replaces proline 233 with leucine.
Molecular consequence: missense variant. On other transcripts: non-coding transcript variant (3).
Genome position (GRCh38, 1-based): chr11:64,298,146, C>T. VCF-style: chr11-64298146-C-T. GRCh37 (hg19) VCF-style: chr11-64065618-C-T.
Other names: c.698C>T, p.Pro233Leu (NM_001317090.2); short protein forms P233L.
Identifiers: ClinVar variation 930709 (VCV000930709.17), dbSNP rs2034823903, ClinGen allele CA381066120.